The following is an entry in ClinVar:

NM_000053.4(ATP7B):c.3050T>C (p.Met1017Thr)

Gene: ATP7B (ATPase copper transporting beta; minus strand). Cytogenetic location: 13q14.3.
Variant type: single nucleotide variant.
Coding change: c.3050T>C on transcript NM_000053.4 (MANE Select); coding-DNA position 3050, T replaced by C.
Protein change: p.Met1017Thr; replaces methionine 1017 with threonine.
Molecular consequence: missense variant. On other transcripts: intron variant (6).
Genome position (GRCh38, 1-based): chr13:51,946,294, A>G on the plus strand (T>C on the coding strand, the complement: ATP7B is on the minus strand). VCF-style: chr13-51946294-A-G. GRCh37 (hg19) VCF-style: chr13-52520430-A-G.
Other names: c.2429T>C, p.Met810Thr (NM_001005918.3); c.2717T>C, p.Met906Thr (NM_001243182.2); c.2816T>C, p.Met939Thr (NM_001330578.2, NM_001406527.1, NM_001406528.1 and 1 more transcripts); c.2798T>C, p.Met933Thr (NM_001330579.2, NM_001406531.1, NM_001406532.1); c.3050T>C, p.Met1017Thr (NM_001406511.1, NM_001406512.1, NM_001406513.1 and 2 more transcripts); c.2873T>C, p.Met958Thr (NM_001406524.1); c.2810T>C, p.Met937Thr (NM_001406530.1); c.2762T>C, p.Met921Thr (NM_001406534.1); and 18 more; short protein forms M1006T, M1017T, M587T, M801T, M810T, M823T, M855T, M874T.
Identifiers: ClinVar variation 3075599 (VCV003075599.2), dbSNP rs996940705, ClinGen allele CA250082011.

ClinVar aggregate classification (germline): Uncertain significance. Review status: criteria provided, multiple submitters, no conflicts (2 of 4 stars). 2 submissions from 2 submitters: Uncertain significance (2). Last evaluated 2024-03-06.

Conditions:
Wilson disease (WND). Also called: Wilson's disease. Identifiers: Orphanet 905, MedGen C0019202, MONDO:0010200, OMIM 277900. Disease mechanism: loss of function.

Allele frequency attached by ClinVar (database versions not stated): gnomAD exomes below 0.00001; gnomAD 0.00001; TOPMed 0.00001.

Submissions (2):

Color Diagnostics, LLC DBA Color Health
Classification: Uncertain significance for Wilson disease. Last evaluated: 2024-03-06. Review status: criteria provided, single submitter. Criteria: ACMG Guidelines, 2015. Collection method: clinical testing. Allele origin: germline.
Comment: This missense variant replaces methionine with threonine at codon 1017 of the ATP7B protein. Computational prediction is inconclusive regarding the impact of this variant on protein structure and function. To our knowledge, functional studies have not been reported for this variant. This variant has not been reported in individuals affected with ATP7B-related disorders in the literature. This variant has been identified in 1/31396 chromosomes in the general population by the Genome Aggregation Database (gnomAD). The available evidence is insufficient to determine the role of this variant in disease conclusively. Therefore, this variant is classified as a Variant of Uncertain Significance.

All of Us Research Program, National Institutes of Health
Classification: Uncertain significance for Wilson disease. Last evaluated: 2023-08-15. Review status: criteria provided, single submitter. Criteria: ACMG Guidelines, 2015. Collection method: clinical testing. Allele origin: germline. Inheritance: Autosomal recessive inheritance. Observed: 1 variant allele, 1 heterozygote.
Comment: This missense variant replaces methionine with threonine at codon 1017 of the ATP7B protein. Computational prediction is inconclusive regarding the impact of this variant on protein structure and function (internally defined REVEL score threshold 0.5 < inconclusive < 0.7, PMID: 27666373). To our knowledge, functional studies have not been reported for this variant. This variant has not been reported in individuals affected with ATP7B-related disorders in the literature. This variant has been identified in 1/31396 chromosomes in the general population by the Genome Aggregation Database (gnomAD). The available evidence is insufficient to determine the role of this variant in disease conclusively. Therefore, this variant is classified as a Variant of Uncertain Significance.

This study involves interpretation of variants in research participants for the purpose of population health screening. Participant phenotype was not available at the time of variant classification. Additional details can be found in publication PMID: 35346344, PMCID: PMC8962531